The following is an entry in ClinVar:

ClinVar aggregate classification (germline): Likely benign. Review status: criteria provided, multiple submitters, no conflicts (2 of 4 stars). 4 submissions from 4 submitters: Likely benign (3). 1 of the submissions does not count toward it. Last evaluated 2026-01-19.

Conditions:
SKIC3-related disorder. Also called: SKIC3-related condition.

Allele frequency attached by ClinVar (database versions not stated): gnomAD 0.00022; 1000 Genomes Project 30x 0.00031; ESP Exome Variant Server 0.00038; 1000 Genomes Project 0.00040; TOPMed 0.00043.
gnomAD v4.1: 292 of 1,613,966 alleles (0.018%); highest among the groups gnomAD compares: Middle Eastern, 0.082%; 3 homozygotes.

Submissions (4):

Labcorp Genetics (formerly Invitae), Labcorp
Classification: Likely benign. Last evaluated: 2026-01-19. Review status: criteria provided, single submitter. Criteria: Invitae Variant Classification Sherloc (09022015). Collection method: clinical testing. Allele origin: germline.

Blueprint Genetics
Classification: Likely benign. Last evaluated: 2024-11-05. Review status: criteria provided, single submitter. Criteria: ACMG Guidelines, 2015. Collection method: clinical testing. Allele origin: germline.

CeGaT Center for Human Genetics Tuebingen
Classification: Likely benign. Last evaluated: 2023-10-01. Review status: criteria provided, single submitter. Criteria: CeGaT Center For Human Genetics Tuebingen Variant Classification Criteria Version 2. Collection method: clinical testing. Allele origin: germline. Affected: yes. Observed: 1 variant allele.
Comment: SKIC3: BP4, BP7

PreventionGenetics, part of Exact Sciences
Classification: Likely benign for SKIC3-related condition. Last evaluated: 2023-12-04. Review status: no assertion criteria provided. Collection method: clinical testing. Allele origin: germline. Not counted in ClinVar's aggregate classification.
Comment: This variant is classified as likely benign based on ACMG/AMP sequence variant interpretation guidelines (Richards et al. 2015 PMID: 25741868, with internal and published modifications).

NM_014639.4(SKIC3):c.210G>A (p.Glu70=)

Gene: SKIC3 (SKI3 subunit of superkiller complex; minus strand). Cytogenetic location: 5q15.
Variant type: single nucleotide variant.
Coding change: c.210G>A on transcript NM_014639.4 (MANE Select); coding-DNA position 210, G replaced by A.
Protein change: p.Glu70=; no amino-acid change (glutamic acid 70 retained).
Molecular consequence: synonymous variant.
Genome position (GRCh38, 1-based): chr5:95,543,208, C>T on the plus strand (G>A on the coding strand, the complement: SKIC3 is on the minus strand). VCF-style: chr5-95543208-C-T. GRCh37 (hg19) VCF-style: chr5-94878912-C-T.
Identifiers: ClinVar variation 707301 (VCV000707301.34), dbSNP rs144683596, ClinGen allele CA3347689.
Genomic context (GRCh38, chr5:95,543,208, plus strand): 5'-ATTTCCATAATACAGAAAAAAAAAATTTCTACATACCTGCCAAGCTAGTAATTGGTCTGG[C>T]TCTAATTCAGCAGCTTTTTTATAGGCACTCTGGGCCTGATCAGGTTGTTCTAGTTCAGCT-3'
Protein context (NP_055454.1, residues 60-80): QSAYKKAAEL[Glu70=]PDQLLAWQGL